The following is an entry in ClinVar:

NM_020937.4(FANCM):c.5530C>T (p.Gln1844Ter)

Gene: FANCM (FA complementation group M; plus strand). Cytogenetic location: 14q21.2.
Variant type: single nucleotide variant.
Coding change: c.5530C>T on transcript NM_020937.4 (MANE Select); coding-DNA position 5530, C replaced by T.
Protein change: p.Gln1844Ter; replaces glutamine 1844 with a stop codon.
Molecular consequence: nonsense.
Genome position (GRCh38, 1-based): chr14:45,196,361, C>T. VCF-style: chr14-45196361-C-T. GRCh37 (hg19) VCF-style: chr14-45665564-C-T.
Other names: c.5452C>T, p.Gln1818Ter (NM_001308133.2); short protein forms Q1818*, Q1844*.
Identifiers: ClinVar variation 2961601 (VCV002961601.3), dbSNP rs2139319836, ClinGen allele CA389586052.

ClinVar aggregate classification (germline): Pathogenic (1 of 4 stars; one submission).

Conditions:
Fanconi anemia (FA). Also called: Fanconi's anemia. Identifiers: Orphanet 84, MedGen C0015625, MeSH D005199, MONDO:0019391.

Submission:

Labcorp Genetics (formerly Invitae), Labcorp
Classification: Pathogenic for Fanconi anemia. Last evaluated: 2022-12-13. Review status: criteria provided, single submitter. Criteria: Invitae Variant Classification Sherloc (09022015). Collection method: clinical testing. Allele origin: germline.
Comment: For these reasons, this variant has been classified as Pathogenic. This variant has not been reported in the literature in individuals affected with FANCM-related conditions. This variant is not present in population databases (gnomAD no frequency). This sequence change creates a premature translational stop signal (p.Gln1844*) in the FANCM gene. It is expected to result in an absent or disrupted protein product. Loss-of-function variants in FANCM are known to be pathogenic (PMID: 29895858, 30075111).

Literature cited by the submitters: PubMed 29895858; PubMed 30075111.